The following is an entry in ClinVar:

NM_024757.5(EHMT1):c.1160G>A (p.Arg387His)

Gene: EHMT1 (euchromatic histone lysine methyltransferase 1; plus strand). Cytogenetic location: 9q34.3.
Variant type: single nucleotide variant.
Coding change: c.1160G>A on transcript NM_024757.5 (MANE Select); coding-DNA position 1160, G replaced by A.
Protein change: p.Arg387His; replaces arginine 387 with histidine.
Molecular consequence: missense variant.
Genome position (GRCh38, 1-based): chr9:137,744,080, G>A. VCF-style: chr9-137744080-G-A. GRCh37 (hg19) VCF-style: chr9-140638532-G-A.
Other names: c.1160G>A, p.Arg387His (NM_001145527.2, NM_001354611.2); c.1067G>A, p.Arg356His (NM_001354259.2, NM_001354612.2); c.1139G>A, p.Arg380His (NM_001354263.2); short protein forms R387H, R380H, R356H.
Identifiers: ClinVar variation 366003 (VCV000366003.22), dbSNP rs776502547, ClinGen allele CA5374512.
Genomic context (GRCh38, chr9:137,744,080, plus strand): 5'-CGGCCGCGTTCCCCACAGAGGACAGCAGGACTTCCAAGGAGAGCATGTCGGAGGCTGATC[G>A]CGCCCAGAAGGTATGTGTTGCTGTCTTGGGTGACAGCACAAGGAAAGAGCATCACAAAGT-3'
Protein context (NP_079033.4, residues 377-397): TSKESMSEAD[Arg387His]AQKMDGESEE

ClinVar aggregate classification (germline): Conflicting classifications of pathogenicity. Review status: criteria provided, conflicting classifications (1 of 4 stars). 6 submissions from 6 submitters: Uncertain significance (1); Benign (1); Likely benign (4). Last evaluated 2026-01-11.

Conditions:
EHMT1-related disorder. Also called: EHMT1-related condition.
Kleefstra syndrome 1 (KLEFS1). Identifiers: Orphanet 261494, MedGen C0795833, MONDO:0027407, OMIM 610253.
Inborn genetic diseases. Identifiers: MedGen C0950123, MeSH D030342.

Allele frequency attached by ClinVar (database versions not stated): gnomAD 0.00002 and 0.00003; TOPMed 0.00002; gnomAD exomes 0.00003; ExAC 0.00004.
gnomAD v4.1: 54 of 1,613,960 alleles (0.0033%); highest among the groups gnomAD compares: Middle Eastern, 0.066%; no homozygotes.

Submissions (6):

Labcorp Genetics (formerly Invitae), Labcorp
Classification: Benign for Kleefstra syndrome 1. Last evaluated: 2026-01-11. Review status: criteria provided, single submitter. Criteria: Invitae Variant Classification Sherloc (09022015). Collection method: clinical testing. Allele origin: germline.

CeGaT Center for Human Genetics Tuebingen
Classification: Likely benign. Last evaluated: 2025-04-01. Review status: criteria provided, single submitter. Criteria: CeGaT Center For Human Genetics Tuebingen Variant Classification Criteria Version 2. Collection method: clinical testing. Allele origin: germline. Affected: yes. Observed: 1 variant allele.
Comment: EHMT1: BP4

Blueprint Genetics
Classification: Likely benign. Last evaluated: 2024-09-03. Review status: criteria provided, single submitter. Criteria: ACMG Guidelines, 2015. Collection method: clinical testing. Allele origin: germline.

PreventionGenetics, part of Exact Sciences
Classification: Uncertain significance for EHMT1-related condition. Last evaluated: 2023-04-17. Review status: criteria provided, single submitter. Criteria: ACMG Guidelines, 2015. Collection method: clinical testing. Allele origin: germline.
Comment: The EHMT1 c.1160G>A variant is predicted to result in the amino acid substitution p.Arg387His. To our knowledge, this variant has not been reported in the literature. This variant is reported in 0.0065% of alleles in individuals of South Asian descent in gnomAD. Although we suspect that this variant may be benign, at this time, the clinical significance of this variant is uncertain due to the absence of conclusive functional and genetic evidence.

Ambry Genetics
Classification: Likely benign for Inborn genetic diseases. Last evaluated: 2022-03-14. Review status: criteria provided, single submitter. Criteria: Ambry Variant Classification Scheme 2023. Collection method: clinical testing. Allele origin: germline.

GeneDx
Classification: Likely benign. Last evaluated: 2019-06-24. Review status: criteria provided, single submitter. Criteria: GeneDx Variant Classification Process June 2021. Collection method: clinical testing. Allele origin: germline. Affected: yes.